The following is an entry in ClinVar:

NM_001277115.2(DNAH11):c.5236T>C (p.Ser1746Pro)

Gene: DNAH11 (dynein axonemal heavy chain 11; plus strand). Cytogenetic location: 7p15.3.
Variant type: single nucleotide variant.
Coding change: c.5236T>C on transcript NM_001277115.2 (MANE Select); coding-DNA position 5236, T replaced by C.
Protein change: p.Ser1746Pro; replaces serine 1746 with proline.
Molecular consequence: missense variant.
Genome position (GRCh38, 1-based): chr7:21,658,939, T>C. VCF-style: chr7-21658939-T-C. GRCh37 (hg19) VCF-style: chr7-21698557-T-C.
Other names: short protein forms S1746P.
Identifiers: ClinVar variation 3655740 (VCV003655740.2).

ClinVar aggregate classification (germline): Uncertain significance (1 of 4 stars; one submission).

Conditions:
Primary ciliary dyskinesia. Also called: Ciliary dyskinesia. Identifiers: Orphanet 244, MedGen C0008780, MONDO:0016575, HP:0012265.

Submission:

Labcorp Genetics (formerly Invitae), Labcorp
Classification: Uncertain significance for Primary ciliary dyskinesia. Last evaluated: 2024-06-05. Review status: criteria provided, single submitter. Criteria: Invitae Variant Classification Sherloc (09022015). Collection method: clinical testing. Allele origin: germline.
Comment: This sequence change replaces serine, which is neutral and polar, with proline, which is neutral and non-polar, at codon 1746 of the DNAH11 protein (p.Ser1746Pro). This variant is not present in population databases (gnomAD no frequency). This variant has not been reported in the literature in individuals affected with DNAH11-related conditions. Advanced modeling of protein sequence and biophysical properties (such as structural, functional, and spatial information, amino acid conservation, physicochemical variation, residue mobility, and thermodynamic stability) has been performed at Invitae for this missense variant, however the output from this modeling did not meet the statistical confidence thresholds required to predict the impact of this variant on DNAH11 protein function. In summary, the available evidence is currently insufficient to determine the role of this variant in disease. Therefore, it has been classified as a Variant of Uncertain Significance.